The following is an entry in ClinVar:

ClinVar aggregate classification (germline): Conflicting classifications of pathogenicity. Review status: criteria provided, conflicting classifications (1 of 4 stars). 4 submissions from 4 submitters: Uncertain significance (3); Likely benign (1). Last evaluated 2026-05-04.

Conditions:
TTN-related disorder. Also called: TTN-related condition; TTN-related disease; TTN-related disorders.
Cardiovascular phenotype. Identifiers: MedGen CN230736.
Early-onset myopathy with fatal cardiomyopathy (CMYO5). Also called: Salih Myopathy; CONGENITAL MYOPATHY 5 WITH CARDIOMYOPATHY. Identifiers: Orphanet 289377, MedGen C2673677, MONDO:0012714, OMIM 611705. Disease mechanism: loss of function.
Dilated cardiomyopathy 1G (CMD1G). Identifiers: Orphanet 154, MedGen C1858763, MONDO:0011400, OMIM 604145.
Autosomal recessive limb-girdle muscular dystrophy type 2J (LGMDR10). Also called: Limb-girdle muscular dystrophy, type 2J; MUSCULAR DYSTROPHY, LIMB-GIRDLE, AUTOSOMAL RECESSIVE 10. Identifiers: Orphanet 140922, MedGen C1837342, MONDO:0012127, OMIM 608807.
Tibial muscular dystrophy (TMD). Also called: Tibial muscular dystrophy, tardive; Udd Distal Myopathy – Tibial Muscular Dystrophy; UDD MYOPATHY. Identifiers: Orphanet 609, MedGen C1838244, MONDO:0010870, OMIM 600334.
Myopathy, myofibrillar, 9, with early respiratory failure (MFM9). Also called: Myopathy, distal, with early respiratory failure, autosomal dominant; MYOPATHY, PROXIMAL, WITH EARLY RESPIRATORY MUSCLE INVOLVEMENT; Hereditary myopathy with early respiratory failure; EDSTROM MYOPATHY. Identifiers: Orphanet 178464, Orphanet 34521, MedGen C1863599, MONDO:0011362, OMIM 603689.
Hypertrophic cardiomyopathy 9. Also called: Familial hypertrophic cardiomyopathy 9. Identifiers: MedGen C1861065, MONDO:0013412, OMIM 613765.

Allele frequency attached by ClinVar (database versions not stated): ExAC 0.00002; gnomAD exomes 0.00002 and 0.00004; ESP Exome Variant Server 0.00008; gnomAD 0.00008 and 0.00011; TOPMed 0.00015.
gnomAD v4.1: 39 of 1,613,648 alleles (0.0024%); highest among the groups gnomAD compares: African/African-American, 0.044%; no homozygotes.

Submissions (4):

PreventionGenetics, part of Exact Sciences
Classification: Uncertain significance for TTN-related condition. Last evaluated: 2026-05-04. Review status: criteria provided, single submitter. Criteria: ACMG Guidelines, 2015. Collection method: clinical testing. Allele origin: germline.
Comment: The TTN c.12412A>G variant is predicted to result in the amino acid substitution p.Ile4138Val. To our knowledge, this variant has not been reported in the literature. This variant is reported in 0.045% of alleles in individuals of African descent in gnomAD. At this time, the clinical significance of this variant is uncertain due to the absence of conclusive functional and genetic evidence.

Fulgent Genetics
Classification: Uncertain significance for Tibial muscular dystrophy; Myopathy, myofibrillar, 9, with early respiratory failure; Dilated cardiomyopathy 1G; Autosomal recessive limb-girdle muscular dystrophy type 2J; Early-onset myopathy with fatal cardiomyopathy; Hypertrophic cardiomyopathy 9. Last evaluated: 2021-08-30. Review status: criteria provided, single submitter. Criteria: ACMG Guidelines, 2015. Collection method: clinical testing. Allele origin: unknown.

Ambry Genetics
Classification: Likely benign for Cardiovascular phenotype. Last evaluated: 2020-05-11. Review status: criteria provided, single submitter. Criteria: Ambry Variant Classification Scheme 2023. Collection method: clinical testing. Allele origin: germline.

GeneDx
Classification: Uncertain significance. Last evaluated: 2013-09-13. Review status: criteria provided, single submitter. Criteria: GeneDx Variant Classification (06012015). Collection method: clinical testing. Allele origin: germline. Affected: yes.
Comment: Missense variants in the TTN gene are considered 'unclassified' if they are not previously reported in the literature and do not have >1% frequency in the population to be considered a polymorphism. Research indicates that truncating mutations in the TTN gene are expected to account for approximately 25% of familial and 18% of sporadic idiopathic DCM; however, truncating variants in the TTN gene have been reported in approximately 3% of reported control alleles. There has been little investigation into non-truncating variants. (Herman D et al. Truncations of titin causing dilated cardiomyopathy. N Eng J Med 366:619-628, 2012) The variant is found in DCM panel(s).

NM_001267550.2(TTN):c.12412A>G (p.Ile4138Val)

Gene: TTN (titin; minus strand). Cytogenetic location: 2q31.2.
Variant type: single nucleotide variant.
Coding change: c.12412A>G on transcript NM_001267550.2 (MANE Select); coding-DNA position 12412, A replaced by G.
Protein change: p.Ile4138Val; replaces isoleucine 4138 with valine.
Molecular consequence: missense variant. On other transcripts: intron variant (1).
Genome position (GRCh38, 1-based): chr2:178,740,821, T>C on the plus strand (A>G on the coding strand, the complement: TTN is on the minus strand). VCF-style: chr2-178740821-T-C. GRCh37 (hg19) VCF-style: chr2-179605548-T-C.
Other names: p.I3821V:ATT>GTT; c.11461A>G, p.Ile3821Val (NM_001256850.1); c.11323A>G, p.Ile3775Val (NM_003319.4); c.11698A>G, p.Ile3900Val (NM_133432.3); c.11899A>G, p.Ile3967Val (NM_133437.4); c.10361-2461A>G (NM_133378.4); short protein forms I3821V, I4138V, I3775V, I3967V, I3900V.
Identifiers: ClinVar variation 203227 (VCV000203227.6), dbSNP rs377290301, ClinGen allele CA311740.